The following is an entry in ClinVar:

ClinVar aggregate classification (germline): Uncertain significance (1 of 4 stars; one submission).

Conditions:
Emery-Dreifuss muscular dystrophy 4, autosomal dominant (EDMD4). Also called: EMERY-DREIFUSS MUSCULAR DYSTROPHY 4 WITH VARIABLE FEATURES. Identifiers: Orphanet 261, MedGen C2751807, MONDO:0013071, OMIM 612998.
Autosomal recessive ataxia, Beauce type. Also called: Spinocerebellar ataxia, autosomal recessive 8; ATAXIA, RECESSIVE, OF BEAUCE; SYNE1 Deficiency; SYNE1-Related Autosomal Recessive Cerebellar Ataxia. Identifiers: Orphanet 88644, MedGen C1853116, MONDO:0012549, OMIM 610743.

Submission:

Labcorp Genetics (formerly Invitae), Labcorp
Classification: Uncertain significance for Emery-Dreifuss muscular dystrophy 4, autosomal dominant; Autosomal recessive ataxia, Beauce type. Last evaluated: 2020-03-30. Review status: criteria provided, single submitter. Criteria: Invitae Variant Classification Sherloc (09022015). Collection method: clinical testing. Allele origin: germline.
Comment: This sequence change replaces threonine with isoleucine at codon 3788 of the SYNE1 protein (p.Thr3788Ile). The threonine residue is highly conserved and there is a moderate physicochemical difference between threonine and isoleucine. This variant is not present in population databases (ExAC no frequency). This variant has not been reported in the literature in individuals with SYNE1-related conditions. Algorithms developed to predict the effect of missense changes on protein structure and function output the following: SIFT: "Deleterious"; PolyPhen-2: "Benign"; Align-GVGD: "Class C0". The isoleucine amino acid residue is found in multiple mammalian species, suggesting that this missense change does not adversely affect protein function. These predictions have not been confirmed by published functional studies and their clinical significance is uncertain. In summary, the available evidence is currently insufficient to determine the role of this variant in disease. Therefore, it has been classified as a Variant of Uncertain Significance.

NM_182961.4(SYNE1):c.11408C>T (p.Thr3803Ile)

Gene: SYNE1 (spectrin repeat containing nuclear envelope protein 1; minus strand). Cytogenetic location: 6q25.2.
Variant type: single nucleotide variant.
Coding change: c.11408C>T on transcript NM_182961.4 (MANE Select); coding-DNA position 11408, C replaced by T.
Protein change: p.Thr3803Ile; replaces threonine 3803 with isoleucine.
Molecular consequence: missense variant.
Genome position (GRCh38, 1-based): chr6:152,352,199, G>A on the plus strand (C>T on the coding strand, the complement: SYNE1 is on the minus strand). VCF-style: chr6-152352199-G-A. GRCh37 (hg19) VCF-style: chr6-152673334-G-A.
Other names: c.11363C>T, p.Thr3788Ile (NM_033071.5); short protein forms T3788I, T3803I.
Identifiers: ClinVar variation 1036950 (VCV001036950.8), dbSNP rs2096753111, ClinGen allele CA366120457.
Genomic context (GRCh38, chr6:152,352,199, plus strand): 5'-TCTGAGAATTCCTTTGCTAAATGAAGACCTTTTTCCAGCGTCATGTGTTCTTTCCGGACA[G>A]TGCTGGTCAGTTCCTTCAACTGCTCCATGTGATCATGAATCTCCTTTCTTAACCTCTCTG-3'
Protein context (NP_892006.3, residues 3793-3813): HMEQLKELTS[Thr3803Ile]VRKEHMTLEK